The following is an entry in ClinVar:

ClinVar aggregate classification (germline): Conflicting classifications of pathogenicity. Review status: criteria provided, conflicting classifications (1 of 4 stars). 3 submissions from 3 submitters: Uncertain significance (1); Likely benign (2). Last evaluated 2026-07-01.

Allele frequency attached by ClinVar (database versions not stated): ExAC 0.00006; gnomAD exomes 0.00006; TOPMed 0.00007; gnomAD 0.00010.
gnomAD v4.1: 109 of 1,612,206 alleles (0.0068%); highest among the groups gnomAD compares: Admixed American, 0.023%; no homozygotes.

Submissions (3):

CeGaT Center for Human Genetics Tuebingen
Classification: Likely benign. Last evaluated: 2026-07-01. Review status: criteria provided, single submitter. Criteria: CeGaT Center For Human Genetics Tuebingen Variant Classification Criteria Version 2. Collection method: clinical testing. Allele origin: germline. Affected: yes. Observed: 1 variant allele.
Comment: PUS1: BP4

Labcorp Genetics (formerly Invitae), Labcorp
Classification: Uncertain significance. Last evaluated: 2022-10-17. Review status: criteria provided, single submitter. Criteria: Invitae Variant Classification Sherloc (09022015). Collection method: clinical testing. Allele origin: germline.
Comment: This sequence change replaces threonine, which is neutral and polar, with methionine, which is neutral and non-polar, at codon 409 of the PUS1 protein (p.Thr409Met). This variant is present in population databases (rs761064906, gnomAD 0.01%). This variant has not been reported in the literature in individuals affected with PUS1-related conditions. ClinVar contains an entry for this variant (Variation ID: 215041). Algorithms developed to predict the effect of missense changes on protein structure and function are either unavailable or do not agree on the potential impact of this missense change (SIFT: "Deleterious"; PolyPhen-2: "Benign"; Align-GVGD: "Class C0"). In summary, the available evidence is currently insufficient to determine the role of this variant in disease. Therefore, it has been classified as a Variant of Uncertain Significance.

GeneDx
Classification: Likely benign. Last evaluated: 2015-08-03. Review status: criteria provided, single submitter. Criteria: GeneDx Variant Classification (06012015). Collection method: clinical testing. Allele origin: germline. Affected: yes.
Comment: This variant is considered likely benign or benign based on one or more of the following criteria: it is a conservative change, it occurs at a poorly conserved position in the protein, it is predicted to be benign by multiple in silico algorithms, and/or has population frequency not consistent with disease.

NM_025215.6(PUS1):c.1226C>T (p.Thr409Met)

Gene: PUS1 (pseudouridine synthase 1; plus strand). Cytogenetic location: 12q24.33.
Variant type: single nucleotide variant.
Coding change: c.1226C>T on transcript NM_025215.6 (MANE Select); coding-DNA position 1226, C replaced by T.
Protein change: p.Thr409Met; replaces threonine 409 with methionine.
Molecular consequence: missense variant.
Genome position (GRCh38, 1-based): chr12:131,941,973, C>T. VCF-style: chr12-131941973-C-T. GRCh37 (hg19) VCF-style: chr12-132426518-C-T.
Other names: p.T409M:ACG>ATG; c.1142C>T, p.Thr381Met (NM_001002019.3, NM_001002020.3); short protein forms T381M, T409M.
Identifiers: ClinVar variation 215041 (VCV000215041.4), dbSNP rs761064906, ClinGen allele CA325068.